The following is an entry in ClinVar:

NM_014484.5(MOCS3):c.613G>A (p.Ala205Thr)

Gene: MOCS3 (molybdenum cofactor synthesis 3; plus strand). Cytogenetic location: 20q13.13.
Variant type: single nucleotide variant.
Coding change: c.613G>A on transcript NM_014484.5 (MANE Select); coding-DNA position 613, G replaced by A.
Protein change: p.Ala205Thr; replaces alanine 205 with threonine.
Molecular consequence: missense variant.
Genome position (GRCh38, 1-based): chr20:50,959,455, G>A. VCF-style: chr20-50959455-G-A. GRCh37 (hg19) VCF-style: chr20-49575992-G-A.
Other names: short protein forms A205T.
Identifiers: ClinVar variation 2871922 (VCV002871922.3), dbSNP rs967496859, ClinGen allele CA408983591.

ClinVar aggregate classification (germline): Uncertain significance (1 of 4 stars; one submission).

Allele frequency attached by ClinVar (database versions not stated): gnomAD exomes below 0.00001.

Submission:

Labcorp Genetics (formerly Invitae), Labcorp
Classification: Uncertain significance. Last evaluated: 2023-12-19. Review status: criteria provided, single submitter. Criteria: Invitae Variant Classification Sherloc (09022015). Collection method: clinical testing. Allele origin: germline.
Comment: This sequence change replaces alanine, which is neutral and non-polar, with threonine, which is neutral and polar, at codon 205 of the MOCS3 protein (p.Ala205Thr). This variant is present in population databases (no rsID available, gnomAD 0.01%). This variant has not been reported in the literature in individuals affected with MOCS3-related conditions. An algorithm developed to predict the effect of missense changes on protein structure and function (PolyPhen-2) suggests that this variant is likely to be disruptive. In summary, the available evidence is currently insufficient to determine the role of this variant in disease. Therefore, it has been classified as a Variant of Uncertain Significance.